The following is an entry in ClinVar:

ClinVar aggregate classification (germline): Benign/Likely benign. Review status: criteria provided, multiple submitters, no conflicts (2 of 4 stars). 5 submissions from 5 submitters: Benign (1); Likely benign (4). Last evaluated 2026-02-01.

Conditions:
Familial sleep-related hypermotor epilepsy. Also called: Autosomal Dominant Sleep-Related Hypermotor (Hyperkinetic) Epilepsy. Identifiers: Orphanet 98784, MedGen C3696898, MONDO:0000030.
Inborn genetic diseases. Identifiers: MedGen C0950123, MeSH D030342.

Allele frequency attached by ClinVar (database versions not stated): ESP Exome Variant Server 0.00015; gnomAD exomes 0.00015 and 0.00016; ExAC 0.00017; 1000 Genomes Project 0.00020; 1000 Genomes Project 30x 0.00031; TOPMed 0.00043; gnomAD 0.00048 and 0.00051.
gnomAD v4.1: 291 of 1,612,656 alleles (0.018%); highest among the groups gnomAD compares: African/African-American, 0.12%; no homozygotes.

Submissions (5):

CeGaT Center for Human Genetics Tuebingen
Classification: Likely benign. Last evaluated: 2026-02-01. Review status: criteria provided, single submitter. Criteria: CeGaT Center For Human Genetics Tuebingen Variant Classification Criteria Version 2. Collection method: clinical testing. Allele origin: germline. Affected: yes. Observed: 3 variant alleles.
Comment: CHRNA4: BP4, BP7

Labcorp Genetics (formerly Invitae), Labcorp
Classification: Likely benign. Last evaluated: 2026-01-26. Review status: criteria provided, single submitter. Criteria: Invitae Variant Classification Sherloc (09022015). Collection method: clinical testing. Allele origin: germline.

GeneDx
Classification: Likely benign. Last evaluated: 2020-07-20. Review status: criteria provided, single submitter. Criteria: GeneDx Variant Classification Process June 2021. Collection method: clinical testing. Allele origin: germline. Affected: yes.

Athena Diagnostics
Classification: Benign. Last evaluated: 2017-09-07. Review status: criteria provided, single submitter. Criteria: Athena Diagnostics Criteria. Collection method: clinical testing. Allele origin: germline.

Ambry Genetics
Classification: Likely benign for Inborn genetic diseases. Last evaluated: 2016-09-06. Review status: criteria provided, single submitter. Criteria: Ambry Variant Classification Scheme 2023. Collection method: clinical testing. Allele origin: germline.

NM_000744.7(CHRNA4):c.225C>T (p.Asp75=)

Gene: CHRNA4 (cholinergic receptor nicotinic alpha 4 subunit; minus strand). Cytogenetic location: 20q13.33.
Variant type: single nucleotide variant.
Coding change: c.225C>T on transcript NM_000744.7 (MANE Select); coding-DNA position 225, C replaced by T.
Protein change: p.Asp75=; no amino-acid change (aspartic acid 75 retained).
Molecular consequence: synonymous variant. On other transcripts: 5 prime UTR variant (1), non-coding transcript variant (1).
Genome position (GRCh38, 1-based): chr20:63,359,551, G>A on the plus strand (C>T on the coding strand, the complement: CHRNA4 is on the minus strand). VCF-style: chr20-63359551-G-A. GRCh37 (hg19) VCF-style: chr20-61990903-G-A.
Other names: c.-322C>T (NM_001256573.2).
Identifiers: ClinVar variation 377669 (VCV000377669.42), dbSNP rs113080067, ClinGen allele CA9957941.